The following is an entry in ClinVar:

NM_003919.3(SGCE):c.868C>G (p.Arg290Gly)

Genes: CASD1 (CAS1 domain sialic acid O acetyltransferase 1; plus strand), SGCE (sarcoglycan epsilon; minus strand). Cytogenetic location: 7q21.3.
Variant type: single nucleotide variant.
Coding change: c.868C>G on transcript NM_003919.3 (MANE Select); coding-DNA position 868, C replaced by G.
Protein change: p.Arg290Gly; replaces arginine 290 with glycine.
Molecular consequence: missense variant.
Genome position (GRCh38, 1-based): chr7:94,600,815, G>C on the plus strand (C>G on the coding strand, the complement: SGCE is on the minus strand). VCF-style: chr7-94600815-G-C. GRCh37 (hg19) VCF-style: chr7-94230127-G-C.
Other names: c.868C>G, p.Arg290Gly (NM_001099400.2, NM_001099401.2, NM_001346717.2); c.745C>G, p.Arg249Gly (NM_001301139.2, NM_001362809.2); c.976C>G, p.Arg326Gly (NM_001346713.2, NM_001346715.2); c.781C>G, p.Arg261Gly (NM_001346719.2, NM_001362807.2); c.595C>G, p.Arg199Gly (NM_001346720.2, NM_001362808.2); short protein forms R199G, R249G, R261G, R290G, R326G.
Identifiers: ClinVar variation 2731847 (VCV002731847.3), dbSNP rs576417569, ClinGen allele CA4348701.

ClinVar aggregate classification (germline): Uncertain significance (1 of 4 stars; one submission).

Conditions:
Myoclonic dystonia 11 (DYT11). Also called: Myoclonic dystonia; Dystonia 11; Dystonia, alcohol responsive; Hereditary essential myoclonus; SGCE Myoclonus-Dystonia; Myoclonus-Dystonia. Identifiers: Orphanet 36899, MedGen C1834570, MONDO:0008044, OMIM 159900.

Submission:

Labcorp Genetics (formerly Invitae), Labcorp
Classification: Uncertain significance for Myoclonic dystonia 11. Last evaluated: 2022-12-22. Review status: criteria provided, single submitter. Criteria: Invitae Variant Classification Sherloc (09022015). Collection method: clinical testing. Allele origin: germline.
Comment: In summary, the available evidence is currently insufficient to determine the role of this variant in disease. Therefore, it has been classified as a Variant of Uncertain Significance. This sequence change replaces arginine, which is basic and polar, with glycine, which is neutral and non-polar, at codon 290 of the SGCE protein (p.Arg290Gly). This variant is not present in population databases (gnomAD no frequency). This variant has not been reported in the literature in individuals affected with SGCE-related conditions. Advanced modeling of protein sequence and biophysical properties (such as structural, functional, and spatial information, amino acid conservation, physicochemical variation, residue mobility, and thermodynamic stability) performed at Invitae indicates that this missense variant is not expected to disrupt SGCE protein function.